The following is an entry in ClinVar:

NM_020699.4(GATAD2B):c.432_435del (p.Glu144fs)

Gene: GATAD2B (GATA zinc finger domain containing 2B; minus strand). Cytogenetic location: 1q21.3.
Variant type: Microsatellite.
Coding change: c.432_435del on transcript NM_020699.4 (MANE Select); coding-DNA positions 432 to 435, 4 bases deleted (AAGA; older notation c.432_435delAAGA).
Protein change: p.Glu144fs; shifts the reading frame from glutamic acid 144.
Molecular consequence: frameshift variant.
Genome position (GRCh38, 1-based): chr1:153,819,636-153,819,639, TCTT deleted on the plus strand (AAGA on the coding strand, the reverse complement: GATAD2B is on the minus strand); deleting any 4 consecutive bases within chr1:153,819,636-153,819,643 gives the same sequence; the c. name uses the placement nearest the transcript's 3' end. VCF-style (leftmost placement, unchanged base first): chr1-153819635-GTCTT-G. GRCh37 (hg19) VCF-style: chr1-153792111-GTCTT-G.
Other names: short protein forms E144fs.
Identifiers: ClinVar variation 373815 (VCV000373815.5), dbSNP rs1057518629, ClinGen allele CA16042318.
Genomic context (GRCh38, chr1:153,819,635, plus strand): 5'-CAAGAAGAAAGAAATTTTTCTTTCTTTTTACCTTAAACATCTCTAAGTTGGCTGCTTTGA[GTCTT>G]TCTTCCATTCTGGAACTGGAACGGGGACTGGAAGCCTCATTGTCAGACAAAACAATGATG-3'

ClinVar aggregate classification (germline): Pathogenic. Review status: criteria provided, multiple submitters, no conflicts (2 of 4 stars). 3 submissions from 3 submitters: Pathogenic (3). Last evaluated 2025-08-13.

Conditions:
Severe intellectual disability-poor language-strabismus-grimacing face-long fingers syndrome (GAND). Also called: GAND SYNDROME. Identifiers: Orphanet 363686, MedGen C3554448, MONDO:0014034, OMIM 615074.

Submissions (3):

Labcorp Genetics (formerly Invitae), Labcorp
Classification: Pathogenic. Last evaluated: 2025-08-13. Review status: criteria provided, single submitter. Criteria: Invitae Variant Classification Sherloc (09022015). Collection method: clinical testing. Allele origin: germline.
Comment: This sequence change creates a premature translational stop signal (p.Glu144Aspfs*7) in the GATAD2B gene. It is expected to result in an absent or disrupted protein product. Loss-of-function variants in GATAD2B are known to be pathogenic (PMID: 23033978, 25356899, 27159321). This variant is not present in population databases (gnomAD no frequency). This premature translational stop signal has been observed in individual(s) with GATAD2B-related conditions (PMID: 33057194, 35982159). For these reasons, this variant has been classified as Pathogenic.

Institute of Human Genetics, Heidelberg University
Classification: Pathogenic for Severe intellectual disability-poor language-strabismus-grimacing face-long fingers syndrome. Last evaluated: 2024-04-05. Review status: criteria provided, single submitter. Criteria: ACMG Guidelines, 2015. Collection method: clinical testing. Allele origin: germline. Affected: yes.

GeneDx
Classification: Pathogenic. Last evaluated: 2016-12-12. Review status: criteria provided, single submitter. Criteria: GeneDx Variant Classification (06012015). Collection method: clinical testing. Allele origin: germline. Affected: yes.
Comment: The c.432_435delAAGA variant in the GATAD2B gene has not been reported previously as a pathogenic variant nor as a benign variant, to our knowledge. The c.432_435delAAGA variant causes a frameshift starting with codon Glutamic Acid 144, changes this amino acid to an Aspartic Acid residue, and creates a premature Stop codon at position 7 of the new reading frame, denoted p.Glu144AspfsX7. This variant is predicted to cause loss of normal protein function either through protein truncation or nonsense-mediated mRNA decay. The c.432_435delAAGA variant was not observed in approximately 6500 individuals of European and African American ancestry in the NHLBI Exome Sequencing Project, indicating it is not a common benign variant in these populations. We interpret c.432_435delAAGA as a pathogenic variant

Literature cited by the submitters: PubMed 23033978 (cited by Labcorp Genetics (formerly Invitae), Labcorp); PubMed 25356899 (cited by Labcorp Genetics (formerly Invitae), Labcorp); PubMed 27159321 (cited by Labcorp Genetics (formerly Invitae), Labcorp); PubMed 33057194 (cited by Labcorp Genetics (formerly Invitae), Labcorp); PubMed 35982159 (cited by Labcorp Genetics (formerly Invitae), Labcorp).